The following is an entry in ClinVar:

NM_003482.4(KMT2D):c.5467+19A>C

Gene: KMT2D (lysine methyltransferase 2D; minus strand). Cytogenetic location: 12q13.12.
Variant type: single nucleotide variant.
Coding change: c.5467+19A>C on transcript NM_003482.4 (MANE Select); 19 bases into the intron after coding-DNA position 5467, A replaced by C.
Molecular consequence: intron variant.
Genome position (GRCh38, 1-based): chr12:49,043,616, T>G on the plus strand (A>C on the coding strand, the complement: KMT2D is on the minus strand). VCF-style: chr12-49043616-T-G. GRCh37 (hg19) VCF-style: chr12-49437399-T-G.
Identifiers: ClinVar variation 94228 (VCV000094228.16), dbSNP rs78764337, ClinGen allele CA147695.

ClinVar aggregate classification (germline): Benign. Review status: criteria provided, multiple submitters, no conflicts (2 of 4 stars). 6 submissions from 6 submitters: Benign (6). Last evaluated 2026-02-03.

Conditions:
Kabuki syndrome. Also called: NIIKAWA-KUROKI SYNDROME; Kabuki make-up syndrome. Identifiers: Orphanet 2322, MedGen C0796004, MONDO:0016512.

Allele frequency attached by ClinVar (database versions not stated): 1000 Genomes Project 30x 0.01546; 1000 Genomes Project 0.01637; TOPMed 0.01962; ESP Exome Variant Server 0.02301; gnomAD 0.02427 and 0.02428.
gnomAD v4.1: 43,905 of 1,613,334 alleles (2.7%); highest among the groups gnomAD compares: Non-Finnish European, 2.9%; 736 homozygotes.

Submissions (6):

Labcorp Genetics (formerly Invitae), Labcorp
Classification: Benign for Kabuki syndrome. Last evaluated: 2026-02-03. Review status: criteria provided, single submitter. Criteria: Invitae Variant Classification Sherloc (09022015). Collection method: clinical testing. Allele origin: germline.

Blueprint Genetics
Classification: Benign. Last evaluated: 2024-11-27. Review status: criteria provided, single submitter. Criteria: ACMG Guidelines, 2015. Collection method: clinical testing. Allele origin: germline.

GeneDx
Classification: Benign. Last evaluated: 2017-11-20. Review status: criteria provided, single submitter. Criteria: GeneDx Variant Classification (06012015). Collection method: clinical testing. Allele origin: germline. Affected: yes.
Comment: This variant is considered likely benign or benign based on one or more of the following criteria: it is a conservative change, it occurs at a poorly conserved position in the protein, it is predicted to be benign by multiple in silico algorithms, and/or has population frequency not consistent with disease.

Eurofins Ntd Llc (ga)
Classification: Benign. Last evaluated: 2012-07-06. Review status: criteria provided, single submitter. Criteria: EGL Classification Definitions 2015. Collection method: clinical testing. Allele origin: germline. Observed: 13 variant alleles, 13 heterozygotes.

Breakthrough Genomics
Classification: Benign. Review status: criteria provided, single submitter. Criteria: ACMG Guidelines, 2015. Collection method: not provided. Allele origin: germline. Inheritance: Autosomal dominant inheritance. Affected: yes.

PreventionGenetics, part of Exact Sciences
Classification: Benign. Review status: criteria provided, single submitter. Criteria: ACMG Guidelines, 2015. Collection method: clinical testing. Allele origin: germline.